The following is an entry in ClinVar:

NM_032119.4(ADGRV1):c.8226T>G (p.Ile2742Met)

Gene: ADGRV1 (adhesion G protein-coupled receptor V1; plus strand). Cytogenetic location: 5q14.3.
Variant type: single nucleotide variant.
Coding change: c.8226T>G on transcript NM_032119.4 (MANE Select); coding-DNA position 8226, T replaced by G.
Protein change: p.Ile2742Met; replaces isoleucine 2742 with methionine.
Molecular consequence: missense variant. On other transcripts: non-coding transcript variant (1).
Genome position (GRCh38, 1-based): chr5:90,703,735, T>G. VCF-style: chr5-90703735-T-G. GRCh37 (hg19) VCF-style: chr5-89999552-T-G.
Other names: short protein forms I2742M.
Identifiers: ClinVar variation 865790 (VCV000865790.5), dbSNP rs1748212128, ClinGen allele CA360388965.
Genomic context (GRCh38, chr5:90,703,735, plus strand): 5'-ACAATTCCATGTGATAAGAACTTTCCCTGGTCGAGGAAATGTTACTGTTAACTGGAAAAT[T>G]ATTGGGCAAAATCTAGAACTCAATTTTGCTAACTTTAGCGGACAACTTTTCTTTCCTGAG-3'
Protein context (NP_115495.3, residues 2732-2752): GRGNVTVNWK[Ile2742Met]IGQNLELNFA

ClinVar aggregate classification (germline): Uncertain significance. Review status: criteria provided, multiple submitters, no conflicts (2 of 4 stars). 2 submissions from 2 submitters: Uncertain significance (2). Last evaluated 2022-07-08.

Submissions (2):

Labcorp Genetics (formerly Invitae), Labcorp
Classification: Uncertain significance. Last evaluated: 2022-07-08. Review status: criteria provided, single submitter. Criteria: Invitae Variant Classification Sherloc (09022015). Collection method: clinical testing. Allele origin: germline.
Comment: This sequence change replaces isoleucine, which is neutral and non-polar, with methionine, which is neutral and non-polar, at codon 2742 of the ADGRV1 protein (p.Ile2742Met). This variant is not present in population databases (gnomAD no frequency). This missense change has been observed in individual(s) with retinitis pigmentosa (PMID: 24154662). ClinVar contains an entry for this variant (Variation ID: 865790). Algorithms developed to predict the effect of missense changes on protein structure and function are either unavailable or do not agree on the potential impact of this missense change (SIFT: "Deleterious"; PolyPhen-2: "Probably Damaging"; Align-GVGD: "Class C0"). In summary, the available evidence is currently insufficient to determine the role of this variant in disease. Therefore, it has been classified as a Variant of Uncertain Significance.

Blueprint Genetics
Classification: Uncertain significance. Last evaluated: 2021-10-11. Review status: criteria provided, single submitter. Criteria: ACMG Guidelines, 2015. Collection method: clinical testing. Allele origin: germline.

Literature cited by the submitters: PubMed 24154662 (cited by Labcorp Genetics (formerly Invitae), Labcorp).